The following is an entry in ClinVar:

ClinVar aggregate classification (germline): Uncertain significance. Review status: criteria provided, multiple submitters, no conflicts (2 of 4 stars). 2 submissions from 2 submitters: Uncertain significance (2). Last evaluated 2025-11-17.

Allele frequency attached by ClinVar (database versions not stated): gnomAD 0.00001 and 0.00004; gnomAD exomes 0.00003 and 0.00017; ExAC 0.00006; 1000 Genomes Project 30x 0.00016; 1000 Genomes Project 0.00020.
gnomAD v4.1: 244 of 1,614,076 alleles (0.015%); highest among the groups gnomAD compares: East Asian, 0.54%; no homozygotes.

Submissions (2):

Labcorp Genetics (formerly Invitae), Labcorp
Classification: Uncertain significance. Last evaluated: 2025-11-17. Review status: criteria provided, single submitter. Criteria: Invitae Variant Classification Sherloc (09022015). Collection method: clinical testing. Allele origin: germline.
Comment: This sequence change replaces aspartic acid, which is acidic and polar, with tyrosine, which is neutral and polar, at codon 76 of the GNB3 protein (p.Asp76Tyr). This variant is present in population databases (rs2234756, gnomAD 0.05%). This variant has not been reported in the literature in individuals affected with GNB3-related conditions. ClinVar contains an entry for this variant (Variation ID: 938456). Invitae Evidence Modeling of protein sequence and biophysical properties (such as structural, functional, and spatial information, amino acid conservation, physicochemical variation, residue mobility, and thermodynamic stability) indicates that this missense variant is expected to disrupt GNB3 protein function with a positive predictive value of 80%. In summary, the available evidence is currently insufficient to determine the role of this variant in disease. Therefore, it has been classified as a Variant of Uncertain Significance.

Blueprint Genetics
Classification: Uncertain significance. Last evaluated: 2024-02-21. Review status: criteria provided, single submitter. Criteria: ACMG Guidelines, 2015. Collection method: clinical testing. Allele origin: germline.

NM_002075.4(GNB3):c.226G>T (p.Asp76Tyr)

Gene: GNB3 (G protein subunit beta 3; plus strand). Cytogenetic location: 12p13.31.
Variant type: single nucleotide variant.
Coding change: c.226G>T on transcript NM_002075.4 (MANE Select); coding-DNA position 226, G replaced by T.
Protein change: p.Asp76Tyr; replaces aspartic acid 76 with tyrosine.
Molecular consequence: missense variant.
Genome position (GRCh38, 1-based): chr12:6,843,196, G>T. VCF-style: chr12-6843196-G-T. GRCh37 (hg19) VCF-style: chr12-6952360-G-T.
Other names: c.226G>T, p.Asp76Tyr (NM_001297571.2); short protein forms D76Y.
Identifiers: ClinVar variation 938456 (VCV000938456.11), dbSNP rs2234756, ClinGen allele CA6417479.